The following is an entry in ClinVar:

NM_000062.3(SERPING1):c.733A>G (p.Ser245Gly)

Gene: SERPING1 (serpin family G member 1; plus strand). Cytogenetic location: 11q12.1.
Variant type: single nucleotide variant.
Coding change: c.733A>G on transcript NM_000062.3 (MANE Select); coding-DNA position 733, A replaced by G.
Protein change: p.Ser245Gly; replaces serine 245 with glycine.
Molecular consequence: missense variant.
Genome position (GRCh38, 1-based): chr11:57,606,057, A>G. VCF-style: chr11-57606057-A-G. GRCh37 (hg19) VCF-style: chr11-57373530-A-G.
Other names: c.733A>G, p.Ser245Gly (NM_001032295.2); short protein forms S245G.
Identifiers: ClinVar variation 2805198 (VCV002805198.4), dbSNP rs1274355910, ClinGen allele CA380698791.
Genomic context (GRCh38, chr11:57,606,057, plus strand): 5'-AACATACCCCCAGACCTGGCCATAAGGGACACCTTTGTGAATGCCTCTCGGACCCTGTAC[A>G]GCAGCAGCCCCAGAGTCCTAAGCAACAACAGTGACGCCAACTTGGAGCTCATCAACACCT-3'
Protein context (NP_000053.2, residues 235-255): TFVNASRTLY[Ser245Gly]SSPRVLSNNS

ClinVar aggregate classification (germline): Conflicting classifications of pathogenicity. Review status: criteria provided, conflicting classifications (1 of 4 stars). 2 submissions from 2 submitters: Uncertain significance (1); Likely benign (1). Last evaluated 2024-11-11.

Allele frequency attached by ClinVar (database versions not stated): TOPMed below 0.00001; gnomAD 0.00001.
gnomAD v4.1: 2 of 1,614,024 alleles (0.00012%); highest among the groups gnomAD compares: Non-Finnish European, 0.000085%; no homozygotes.

Submissions (2):

Labcorp Genetics (formerly Invitae), Labcorp
Classification: Uncertain significance. Last evaluated: 2024-11-11. Review status: criteria provided, single submitter. Criteria: Invitae Variant Classification Sherloc (09022015). Collection method: clinical testing. Allele origin: germline.
Comment: This sequence change replaces serine, which is neutral and polar, with glycine, which is neutral and non-polar, at codon 245 of the SERPING1 protein (p.Ser245Gly). This variant is not present in population databases (gnomAD no frequency). This variant has not been reported in the literature in individuals affected with SERPING1-related conditions. ClinVar contains an entry for this variant (Variation ID: 2805198). An algorithm developed to predict the effect of missense changes on protein structure and function outputs the following: PolyPhen-2: "Benign". The glycine amino acid residue is found in multiple mammalian species, which suggests that this missense change does not adversely affect protein function. In summary, the available evidence is currently insufficient to determine the role of this variant in disease. Therefore, it has been classified as a Variant of Uncertain Significance.

Blueprint Genetics
Classification: Likely benign. Last evaluated: 2023-08-30. Review status: criteria provided, single submitter. Criteria: ACMG Guidelines, 2015. Collection method: clinical testing. Allele origin: germline.